The following is an entry in ClinVar:

ClinVar aggregate classification (germline): Uncertain significance. Review status: criteria provided, multiple submitters, no conflicts (2 of 4 stars). 4 submissions from 4 submitters: Uncertain significance (4). Last evaluated 2025-10-07.

Conditions:
Hereditary cancer-predisposing syndrome. Also called: Hereditary neoplastic syndrome; Hereditary Cancer Syndrome; Neoplastic Syndromes, Hereditary; Tumor predisposition. Identifiers: Orphanet 140162, MedGen C0027672, MeSH D009386, MONDO:0015356.
Multiple endocrine neoplasia, type 1 (MEN1). Also called: MEA I; MEN I; WERMER SYNDROME; Endocrine adenomatosis multiple; MEN 1. Identifiers: Orphanet 652, MedGen C0025267, MeSH D018761, MONDO:0007540, OMIM 131100.

Submissions (4):

Ambry Genetics
Classification: Uncertain significance for Hereditary cancer-predisposing syndrome. Last evaluated: 2025-10-07. Review status: criteria provided, single submitter. Criteria: Ambry Variant Classification Scheme 2023. Collection method: clinical testing. Allele origin: germline.
Comment: The p.R479W variant (also known as c.1435C>T), located in coding exon 9 of the MEN1 gene, results from a C to T substitution at nucleotide position 1435. The arginine at codon 479 is replaced by tryptophan, an amino acid with dissimilar properties. This amino acid position is highly conserved in available vertebrate species. In addition, the in silico prediction for this alteration is inconclusive. Since supporting evidence is limited at this time, the clinical significance of this alteration remains unclear.

Labcorp Genetics (formerly Invitae), Labcorp
Classification: Uncertain significance for Multiple endocrine neoplasia, type 1. Last evaluated: 2025-01-08. Review status: criteria provided, single submitter. Criteria: Invitae Variant Classification Sherloc (09022015). Collection method: clinical testing. Allele origin: germline.
Comment: This sequence change replaces arginine, which is basic and polar, with tryptophan, which is neutral and slightly polar, at codon 479 of the MEN1 protein (p.Arg479Trp). This variant is not present in population databases (gnomAD no frequency). This variant has not been reported in the literature in individuals affected with MEN1-related conditions. ClinVar contains an entry for this variant (Variation ID: 944556). Invitae Evidence Modeling of protein sequence and biophysical properties (such as structural, functional, and spatial information, amino acid conservation, physicochemical variation, residue mobility, and thermodynamic stability) indicates that this missense variant is expected to disrupt MEN1 protein function with a positive predictive value of 95%. In summary, the available evidence is currently insufficient to determine the role of this variant in disease. Therefore, it has been classified as a Variant of Uncertain Significance.

GeneDx
Classification: Uncertain significance. Last evaluated: 2023-01-05. Review status: criteria provided, single submitter. Criteria: GeneDx Variant Classification Process June 2021. Collection method: clinical testing. Allele origin: germline. Affected: yes.
Comment: Not observed at significant frequency in large population cohorts (gnomAD); In silico analysis supports that this missense variant has a deleterious effect on protein structure/function; Has not been previously published as pathogenic or benign to our knowledge; This variant is associated with the following publications: (PMID: 9465067)

Blueprint Genetics
Classification: Uncertain significance. Last evaluated: 2019-10-11. Review status: criteria provided, single submitter. Criteria: ACMG Guidelines, 2015. Collection method: clinical testing. Allele origin: germline.

NM_001370259.2(MEN1):c.1435C>T (p.Arg479Trp)

Gene: MEN1 (menin 1; minus strand). Cytogenetic location: 11q13.1.
Variant type: single nucleotide variant.
Coding change: c.1435C>T on transcript NM_001370259.2 (MANE Select); coding-DNA position 1435, C replaced by T.
Protein change: p.Arg479Trp; replaces arginine 479 with tryptophan.
Molecular consequence: missense variant.
Genome position (GRCh38, 1-based): chr11:64,804,732, G>A on the plus strand (C>T on the coding strand, the complement: MEN1 is on the minus strand). VCF-style: chr11-64804732-G-A. GRCh37 (hg19) VCF-style: chr11-64572204-G-A.
Other names: c.1450C>T, p.Arg484Trp (NM_000244.4, NM_130800.3, NM_130801.3 and 3 more transcripts); c.1561C>T, p.Arg521Trp (NM_001370251.2); c.1435C>T, p.Arg479Trp (NM_001370260.2, NM_001370261.2, NM_130799.3); c.1330C>T, p.Arg444Trp (NM_001370262.2, NM_001370263.2); short protein forms R444W, R521W, R479W, R484W.
Identifiers: ClinVar variation 944556 (VCV000944556.13), dbSNP rs1941551498, ClinGen allele CA381179335.
Genomic context (GRCh38, chr11:64,804,732, plus strand): 5'-CTGGCTTCTTGGGCGGCGGGGGCTCCTCTGGCTTGGACTCCCGCCGTGGGCCCCGCCGCC[G>A]GCCTTCCCGGGCTTCCTCGCCCCACGGCTCCTCGGCCTCGGCCGCCTCGGCCTCTCGGCT-3'
Protein context (NP_001357188.2, residues 469-489): EPWGEEAREG[Arg479Trp]RRGPRRESKP